The following is an entry in ClinVar:

ClinVar aggregate classification (germline): Pathogenic (3 of 4 stars; one submission).

Conditions:
Monogenic diabetes. Identifiers: Orphanet 183625, MedGen C3888631, MONDO:0015967.

Submission:

ClinGen Monogenic Diabetes Variant Curation Expert Panel
Classification: Pathogenic for Monogenic diabetes. Last evaluated: 2025-04-16. Review status: reviewed by expert panel. Criteria: ClinGen Diabetes ACMG Specifications HNF1A V2.1.0. Collection method: curation. Allele origin: germline. Inheritance: Autosomal dominant inheritance.
Comment: The c.549_552del variant in the HNF1 homeobox A gene, HNF1A, results in a premature termination at codon 184 (p.(Gly184Ter)) of NM_000545.8. This variant, located in biologically-relevant exon 3 of 10, is predicted to lead to nonsense mediated decay in a gene in which loss-of-function is an established disease mechanism (PVS1; PMID: 23348805). This variant is absent from gnomAD v2.1.1 (PM2_Supporting). This variant was identified in a single individual with a clinical history highly specific for HNF1A-MODY (MODY probability calculator result >50% and negative HNF4A testing) (PP4; internal lab contributors). In summary, c.549_552del meets the criteria to be classified as pathogenic for monogenic diabetes. ACMG/AMP criteria applied, as specified by the ClinGen MDEP (specification version 2.1.0, approved 8/11/2023): PVS1, PM2_Supporting, PP4.

Literature cited by the submitters: PubMed 23348805.

NM_000545.8(HNF1A):c.549_552del (p.Gly183_Gly184insTer)

Gene: HNF1A (HNF1 homeobox A; plus strand). Cytogenetic location: 12q24.31.
Variant type: Microsatellite.
Coding change: c.549_552del on transcript NM_000545.8 (MANE Select); coding-DNA positions 549 to 552, 4 bases deleted (AGGG; older notation c.549_552delAGGG).
Protein change: p.Gly183_Gly184insTer.
Molecular consequence: frameshift variant.
Genome position (GRCh38, 1-based): chr12:120,993,542-120,993,545, AGGG deleted; deleting any 4 consecutive bases within chr12:120,993,538-120,993,545 gives the same sequence; the c. name uses the placement nearest the transcript's 3' end. VCF-style (leftmost placement, unchanged base first): chr12-120993537-CAGGG-C. GRCh37 (hg19) VCF-style: chr12-121431340-CAGGG-C.
Other names: NM_001306179.2:c.549_552del; c.549_552del, p.Gly183_Gly184insTer (NM_001306179.2, NM_001406915.1).
Identifiers: ClinVar variation 3893279 (VCV003893279.1).